The following is an entry in ClinVar:

ClinVar aggregate classification (germline): Uncertain significance (1 of 4 stars; one submission).

Conditions:
Bardet-Biedl syndrome (BBS). Identifiers: Orphanet 110, MedGen C0752166, MONDO:0015229.

gnomAD v4.1: 2 of 1,613,326 alleles (0.00012%); highest among the groups gnomAD compares: East Asian, 0.0022%; no homozygotes.

Submission:

Labcorp Genetics (formerly Invitae), Labcorp
Classification: Uncertain significance for Bardet-Biedl syndrome. Last evaluated: 2022-09-06. Review status: criteria provided, single submitter. Criteria: Invitae Variant Classification Sherloc (09022015). Collection method: clinical testing. Allele origin: germline.
Comment: In summary, the available evidence is currently insufficient to determine the role of this variant in disease. Therefore, it has been classified as a Variant of Uncertain Significance. Algorithms developed to predict the effect of missense changes on protein structure and function are either unavailable or do not agree on the potential impact of this missense change (SIFT: "Deleterious"; PolyPhen-2: "Possibly Damaging"; Align-GVGD: "Class C0"). ClinVar contains an entry for this variant (Variation ID: 1435354). This variant has not been reported in the literature in individuals affected with TTC8-related conditions. This variant is not present in population databases (gnomAD no frequency). This sequence change replaces aspartic acid, which is acidic and polar, with tyrosine, which is neutral and polar, at codon 25 of the TTC8 protein (p.Asp25Tyr).

NM_144596.4(TTC8):c.73G>T (p.Asp25Tyr)

Gene: TTC8 (tetratricopeptide repeat domain 8; plus strand). Cytogenetic location: 14q31.3.
Variant type: single nucleotide variant.
Coding change: c.73G>T on transcript NM_144596.4 (MANE Select); coding-DNA position 73, G replaced by T.
Protein change: p.Asp25Tyr; replaces aspartic acid 25 with tyrosine.
Molecular consequence: missense variant. On other transcripts: 5 prime UTR variant (2), non-coding transcript variant (1).
Genome position (GRCh38, 1-based): chr14:88,824,780, G>T. VCF-style: chr14-88824780-G-T. GRCh37 (hg19) VCF-style: chr14-89291124-G-T.
Other names: c.73G>T, p.Asp25Tyr (NM_001288781.1, NM_001366535.2, NM_001366536.2 and 2 more transcripts); c.-490G>T (NM_001288782.1); c.-585G>T (NM_001288783.1); short protein forms D25Y.
Identifiers: ClinVar variation 1435354 (VCV001435354.8), dbSNP rs772967779, ClinGen allele CA7302316.